The following is an entry in ClinVar:

NM_003200.5(TCF3):c.355G>A (p.Gly119Ser)

Gene: TCF3 (transcription factor 3; minus strand). Cytogenetic location: 19p13.3.
Variant type: single nucleotide variant.
Coding change: c.355G>A on transcript NM_003200.5 (MANE Select); coding-DNA position 355, G replaced by A.
Protein change: p.Gly119Ser; replaces glycine 119 with serine.
Molecular consequence: missense variant.
Genome position (GRCh38, 1-based): chr19:1,627,370, C>T on the plus strand (G>A on the coding strand, the complement: TCF3 is on the minus strand). VCF-style: chr19-1627370-C-T. GRCh37 (hg19) VCF-style: chr19-1627369-C-T.
Other names: c.355G>A (NM_003200.3); c.355G>A, p.Gly119Ser (NM_001136139.4, NM_001351778.2, NM_001351779.2); short protein forms G119S.
Identifiers: ClinVar variation 1166578 (VCV001166578.13), dbSNP rs35936626, ClinGen allele CA9050438.

ClinVar aggregate classification (germline): Benign/Likely benign. Review status: criteria provided, multiple submitters, no conflicts (2 of 4 stars). 4 submissions from 4 submitters: Benign (2); Likely benign (1). 1 of the submissions does not count toward it. Last evaluated 2025-12-27.

Conditions:
TCF3-related disorder. Also called: TCF3-related condition.

Allele frequency attached by ClinVar (database versions not stated): gnomAD exomes 0.00064; ExAC 0.00102; 1000 Genomes Project 0.00180; 1000 Genomes Project 30x 0.00219; gnomAD 0.00220 and 0.00235; TOPMed 0.00256; ESP Exome Variant Server 0.00317.
gnomAD v4.1: 742 of 1,610,228 alleles (0.046%); highest among the groups gnomAD compares: African/African-American, 0.8%; 3 homozygotes.

Submissions (4):

Labcorp Genetics (formerly Invitae), Labcorp
Classification: Benign. Last evaluated: 2025-12-27. Review status: criteria provided, single submitter. Criteria: Invitae Variant Classification Sherloc (09022015). Collection method: clinical testing. Allele origin: germline.

Blueprint Genetics
Classification: Likely benign. Last evaluated: 2024-10-09. Review status: criteria provided, single submitter. Criteria: ACMG Guidelines, 2015. Collection method: clinical testing. Allele origin: germline.

Breakthrough Genomics
Classification: Benign. Review status: criteria provided, single submitter. Criteria: ACMG Guidelines, 2015. Collection method: not provided. Allele origin: germline. Inheritance: Autosomal recessive inheritance. Affected: yes.

PreventionGenetics, part of Exact Sciences
Classification: Likely benign for TCF3-related condition. Last evaluated: 2019-03-26. Review status: no assertion criteria provided. Collection method: clinical testing. Allele origin: germline. Not counted in ClinVar's aggregate classification.
Comment: This variant is classified as likely benign based on ACMG/AMP sequence variant interpretation guidelines (Richards et al. 2015 PMID: 25741868, with internal and published modifications).